The following is an entry in ClinVar:

ClinVar aggregate classification (germline): Likely benign. Review status: criteria provided, multiple submitters, no conflicts (2 of 4 stars). 6 submissions from 6 submitters: Likely benign (6). Last evaluated 2026-02-03.

Conditions:
Cardiovascular phenotype. Identifiers: MedGen CN230736.
Hypercholesterolemia, autosomal dominant, type B (FHCL2). Also called: Familial Hypercholesterolemia Type B; Hyperlipoproteinemia Type IIb; APOLIPOPROTEIN B-100, FAMILIAL DEFECTIVE; APOLIPOPROTEIN B-100, FAMILIAL LIGAND-DEFECTIVE; APOB-Related Familial Hypercholesterolemia, Autosomal Dominant; HYPERCHOLESTEROLEMIA, FAMILIAL, DUE TO LIGAND-DEFECTIVE APOLIPOPROTEIN B. Identifiers: MedGen C1704417, MONDO:0007751, OMIM 144010.
Familial hypobetalipoproteinemia 1. Also called: APOB-Related Familial Hypobetalipoproteinemia; Hypobetalipoproteinemia, normotriglyceridemic; Acanthocytosis with hypobetalipoproteinemia. Identifiers: MedGen C4551990, MONDO:0014252, OMIM 615558.
Familial hypercholesterolemia. Also called: Familial hypercholesterolemias; Familial hypercholesterolaemia. Identifiers: MedGen C0020445, MONDO:0005439.
Hypercholesterolemia, familial, 1. Also called: LDL RECEPTOR DISORDER; Hyperlipoproteinemia Type IIa; HYPER-LOW-DENSITY-LIPOPROTEINEMIA; HYPERCHOLESTEROLEMIC XANTHOMATOSIS, FAMILIAL; Fredrickson type IIa hyperlipoproteinemia; Hyperlipoproteinemia type 2. Identifiers: Orphanet 391665, MedGen C0745103, MONDO:0007750, OMIM 143890.

Allele frequency attached by ClinVar (database versions not stated): gnomAD 0.00001 and 0.00003; TOPMed 0.00002; ExAC 0.00005; gnomAD exomes 0.00005 and 0.00007; 1000 Genomes Project 0.00040; 1000 Genomes Project 30x 0.00047.
gnomAD v4.1: 73 of 1,614,006 alleles (0.0045%); highest among the groups gnomAD compares: Middle Eastern, 0.049%; no homozygotes.

Submissions (6):

Labcorp Genetics (formerly Invitae), Labcorp
Classification: Likely benign for Familial hypobetalipoproteinemia 1; Hypercholesterolemia, autosomal dominant, type B. Last evaluated: 2026-02-03. Review status: criteria provided, single submitter. Criteria: Invitae Variant Classification Sherloc (09022015). Collection method: clinical testing. Allele origin: germline.

Ambry Genetics
Classification: Likely benign for Cardiovascular phenotype. Last evaluated: 2025-01-24. Review status: criteria provided, single submitter. Criteria: Ambry Variant Classification Scheme 2023. Collection method: clinical testing. Allele origin: germline.

Blueprint Genetics
Classification: Likely benign. Last evaluated: 2024-11-13. Review status: criteria provided, single submitter. Criteria: ACMG Guidelines, 2015. Collection method: clinical testing. Allele origin: germline.

Cambridge Genomics Laboratory, East Genomic Laboratory Hub, NHS Genomic Medicine Service
Classification: Likely benign for Familial hypercholesterolaemia. Last evaluated: 2024-07-10. Review status: criteria provided, single submitter. Criteria: ACGS Best Practice Guidelines for Variant Classification in Rare Disease 2020. Collection method: clinical testing. Allele origin: germline. Affected: yes.
Comment: BS1_Strong,BP5,BP7

GENinCode PLC
Classification: Likely benign for Familial hypercholesterolemia. Last evaluated: 2024-07-04. Review status: criteria provided, single submitter. Criteria: ACMG Guidelines, 2015. Collection method: clinical testing. Allele origin: germline.
Comment: This is a synonymous (silent) variant that is not predicted by SpliceAI to impact splicing. In addition, it occurs at a nucleotide that is not conserved. Therefore this variant has been classified as Likely Benign (BP4, BP7).

Robarts Research Institute, Western University
Classification: Likely benign for Hypercholesterolemia, familial, 1. Last evaluated: 2018-01-02. Review status: criteria provided, single submitter. Criteria: ACMG Guidelines, 2015. Collection method: clinical testing. Allele origin: germline. Inheritance: Autosomal dominant inheritance. Affected: yes.

NM_000384.3(APOB):c.3051C>T (p.Ser1017=)

Gene: APOB (apolipoprotein B; minus strand). Cytogenetic location: 2p24.1.
Variant type: single nucleotide variant.
Coding change: c.3051C>T on transcript NM_000384.3 (MANE Select); coding-DNA position 3051, C replaced by T.
Protein change: p.Ser1017=; no amino-acid change (serine 1017 retained).
Molecular consequence: synonymous variant.
Genome position (GRCh38, 1-based): chr2:21,019,062, G>A on the plus strand (C>T on the coding strand, the complement: APOB is on the minus strand). VCF-style: chr2-21019062-G-A. GRCh37 (hg19) VCF-style: chr2-21241934-G-A.
Identifiers: ClinVar variation 548047 (VCV000548047.21), dbSNP rs558838327, ClinGen allele CA057853.